The following is an entry in ClinVar:

NM_006914.4(RORB):c.892+4A>G

Gene: RORB (RAR related orphan receptor B; plus strand). Cytogenetic location: 9q21.13.
Variant type: single nucleotide variant.
Coding change: c.892+4A>G on transcript NM_006914.4 (MANE Select); 4 bases into the intron after coding-DNA position 892, A replaced by G.
Molecular consequence: intron variant.
Genome position (GRCh38, 1-based): chr9:74,662,610, A>G. VCF-style: chr9-74662610-A-G. GRCh37 (hg19) VCF-style: chr9-77277526-A-G.
Other names: c.925+4A>G (NM_001365023.1).
Identifiers: ClinVar variation 1506334 (VCV001506334.6), dbSNP rs899869905, ClinGen allele CA193863673.

ClinVar aggregate classification (germline): Uncertain significance (1 of 4 stars; one submission).

Allele frequency attached by ClinVar (database versions not stated): gnomAD exomes below 0.00001; gnomAD 0.00001; TOPMed 0.00001.
gnomAD v4.1: 8 of 1,613,100 alleles (0.0005%); highest among the groups gnomAD compares: Non-Finnish European, 0.00068%; no homozygotes.

Submission:

Labcorp Genetics (formerly Invitae), Labcorp
Classification: Uncertain significance. Last evaluated: 2024-02-17. Review status: criteria provided, single submitter. Criteria: Invitae Variant Classification Sherloc (09022015). Collection method: clinical testing. Allele origin: germline.
Comment: This sequence change falls in intron 6 of the RORB gene. It does not directly change the encoded amino acid sequence of the RORB protein. It affects a nucleotide within the consensus splice site. This variant is present in population databases (no rsID available, gnomAD 0.007%). This variant has not been reported in the literature in individuals affected with RORB-related conditions. ClinVar contains an entry for this variant (Variation ID: 1506334). Variants that disrupt the consensus splice site are a relatively common cause of aberrant splicing (PMID: 17576681, 9536098). Algorithms developed to predict the effect of sequence changes on RNA splicing suggest that this variant is not likely to affect RNA splicing. In summary, the available evidence is currently insufficient to determine the role of this variant in disease. Therefore, it has been classified as a Variant of Uncertain Significance.

Literature cited by the submitters: PubMed 17576681; PubMed 9536098.